The following is an entry in ClinVar:

ClinVar aggregate classification (germline): Likely benign. Review status: criteria provided, multiple submitters, no conflicts (2 of 4 stars). 7 submissions from 7 submitters: Likely benign (7). Last evaluated 2026-08-01.

Conditions:
Congenital myasthenic syndrome 10. Also called: Myasthenia, limb-girdle, familial. Identifiers: Orphanet 590, MedGen C1850792, MONDO:0009690, OMIM 254300.
Fetal akinesia deformation sequence 1 (FADS1). Also called: Fetal akinesia sequence; Pena-Shokeir syndrome type I. Identifiers: Orphanet 994, MedGen C1276035, MONDO:0100101, OMIM 208150, HP:0001989.

Allele frequency attached by ClinVar (database versions not stated): 1000 Genomes Project 30x 0.00016; gnomAD 0.00022; TOPMed 0.00037; 1000 Genomes Project 0.00040; ExAC 0.00061; ESP Exome Variant Server 0.00072.
gnomAD v4.1: 847 of 1,608,080 alleles (0.053%); highest among the groups gnomAD compares: Middle Eastern, 0.16%; 2 homozygotes.

Submissions (7):

CeGaT Center for Human Genetics Tuebingen
Classification: Likely benign. Last evaluated: 2026-08-01. Review status: criteria provided, single submitter. Criteria: CeGaT Center For Human Genetics Tuebingen Variant Classification Criteria Version 2. Collection method: clinical testing. Allele origin: germline. Affected: yes. Observed: 2 variant alleles.
Comment: DOK7: BP4, BP7

Labcorp Genetics (formerly Invitae), Labcorp
Classification: Likely benign for Congenital myasthenic syndrome 10; Fetal akinesia deformation sequence 1. Last evaluated: 2026-01-28. Review status: criteria provided, single submitter. Criteria: Invitae Variant Classification Sherloc (09022015). Collection method: clinical testing. Allele origin: germline.

Mayo Clinic Laboratories, Mayo Clinic
Classification: Likely benign. Last evaluated: 2024-12-30. Review status: criteria provided, single submitter. Criteria: ACMG Guidelines, 2015. Collection method: clinical testing. Allele origin: germline. Observed: 1 variant allele.
Comment: BP4, BP7

Blueprint Genetics
Classification: Likely benign. Last evaluated: 2024-11-26. Review status: criteria provided, single submitter. Criteria: ACMG Guidelines, 2015. Collection method: clinical testing. Allele origin: germline.

GeneDx
Classification: Likely benign. Last evaluated: 2021-04-28. Review status: criteria provided, single submitter. Criteria: GeneDx Variant Classification Process June 2021. Collection method: clinical testing. Allele origin: germline. Affected: yes.

Breakthrough Genomics
Classification: Likely benign. Review status: criteria provided, single submitter. Criteria: ACMG Guidelines, 2015. Collection method: not provided. Allele origin: germline. Inheritance: Autosomal recessive inheritance. Affected: yes.

PreventionGenetics, part of Exact Sciences
Classification: Likely benign. Review status: criteria provided, single submitter. Criteria: ACMG Guidelines, 2015. Collection method: clinical testing. Allele origin: germline.

NM_173660.5(DOK7):c.282C>T (p.His94=)

Gene: DOK7 (docking protein 7; plus strand). Cytogenetic location: 4p16.3.
Variant type: single nucleotide variant.
Coding change: c.282C>T on transcript NM_173660.5 (MANE Select); coding-DNA position 282, C replaced by T.
Protein change: p.His94=; no amino-acid change (histidine 94 retained).
Molecular consequence: synonymous variant. On other transcripts: intron variant (1).
Genome position (GRCh38, 1-based): chr4:3,473,587, C>T. VCF-style: chr4-3473587-C-T. GRCh37 (hg19) VCF-style: chr4-3475314-C-T.
Other names: p.His94=; c.282C>T, p.His94= (NM_001164673.2, NM_001301071.2); c.100+10036C>T (NM_001363811.2).
Identifiers: ClinVar variation 262870 (VCV000262870.33), dbSNP rs377025553, ClinGen allele CA2828920.